The following is an entry in ClinVar:

NM_014314.4(RIGI):c.212G>A (p.Arg71His)

Gene: RIGI (RNA sensor RIG-I; minus strand). Cytogenetic location: 9p21.1.
Variant type: single nucleotide variant.
Coding change: c.212G>A on transcript NM_014314.4 (MANE Select); coding-DNA position 212, G replaced by A.
Protein change: p.Arg71His; replaces arginine 71 with histidine.
Molecular consequence: missense variant.
Genome position (GRCh38, 1-based): chr9:32,500,834, C>T on the plus strand (G>A on the coding strand, the complement: RIGI is on the minus strand). VCF-style: chr9-32500834-C-T. GRCh37 (hg19) VCF-style: chr9-32500832-C-T.
Other names: p.Arg71His; short protein forms R71H.
Identifiers: ClinVar variation 774885 (VCV000774885.41), dbSNP rs72710678, ClinGen allele CA5020149.

ClinVar aggregate classification (germline): Benign/Likely benign. Review status: criteria provided, multiple submitters, no conflicts (2 of 4 stars). 7 submissions from 7 submitters: Benign (3); Likely benign (1). 3 of the submissions do not count toward it. Last evaluated 2026-02-02.

Conditions:
RIGI-related disorder. Also called: RIGI-related condition.

Allele frequency attached by ClinVar (database versions not stated): gnomAD 0.00976 and 0.00981; TOPMed 0.01027; ESP Exome Variant Server 0.01153; gnomAD exomes 0.01608 and 0.00966; 1000 Genomes Project 0.00459; 1000 Genomes Project 30x 0.00515; ExAC 0.00937.
gnomAD v4.1: 24,938 of 1,614,066 alleles (1.5%); highest among the groups gnomAD compares: Non-Finnish European, 1.9%; 224 homozygotes.

Submissions (7):

Labcorp Genetics (formerly Invitae), Labcorp
Classification: Benign. Last evaluated: 2026-02-02. Review status: criteria provided, single submitter. Criteria: Invitae Variant Classification Sherloc (09022015). Collection method: clinical testing. Allele origin: germline.

CeGaT Center for Human Genetics Tuebingen
Classification: Benign. Last evaluated: 2026-01-01. Review status: criteria provided, single submitter. Criteria: CeGaT Center For Human Genetics Tuebingen Variant Classification Criteria Version 2. Collection method: clinical testing. Allele origin: germline. Affected: yes. Observed: 8 variant alleles.
Comment: RIGI: BP4, BS1, BS2

Blueprint Genetics
Classification: Likely benign. Last evaluated: 2024-11-25. Review status: criteria provided, single submitter. Criteria: ACMG Guidelines, 2015. Collection method: clinical testing. Allele origin: germline.

Mayo Clinic Laboratories, Mayo Clinic
Classification: Benign. Last evaluated: 2024-02-13. Review status: criteria provided, single submitter. Criteria: ACMG Guidelines, 2015. Collection method: clinical testing. Allele origin: germline. Observed: 10 variant alleles.
Comment: BS1, BS2, BP4

PreventionGenetics, part of Exact Sciences
Classification: Benign for RIGI-related condition. Last evaluated: 2019-04-29. Review status: no assertion criteria provided. Collection method: clinical testing. Allele origin: germline. Not counted in ClinVar's aggregate classification.
Comment: This variant is classified as benign based on ACMG/AMP sequence variant interpretation guidelines (Richards et al. 2015 PMID: 25741868, with internal and published modifications).

Diagnostic Laboratory, Department of Genetics, University Medical Center Groningen
Classification: Likely benign. Review status: no assertion criteria provided. Collection method: clinical testing. Allele origin: germline. Affected: yes. Study: VKGL Data-share Consensus. Not counted in ClinVar's aggregate classification.

Laboratory of Diagnostic Genome Analysis, Leiden University Medical Center (LUMC)
Classification: Likely benign. Review status: no assertion criteria provided. Collection method: clinical testing. Allele origin: germline. Affected: yes. Study: VKGL Data-share Consensus. Not counted in ClinVar's aggregate classification.